The following is an entry in ClinVar:

NM_002227.4(JAK1):c.2251+4T>C

Gene: JAK1 (Janus kinase 1; minus strand). Cytogenetic location: 1p31.3.
Variant type: single nucleotide variant.
Coding change: c.2251+4T>C on transcript NM_002227.4 (MANE Select); 4 bases into the intron after coding-DNA position 2251, T replaced by C.
Molecular consequence: intron variant.
Genome position (GRCh38, 1-based): chr1:64,844,750, A>G on the plus strand (T>C on the coding strand, the complement: JAK1 is on the minus strand). VCF-style: chr1-64844750-A-G. GRCh37 (hg19) VCF-style: chr1-65310433-A-G.
Other names: c.2251+4T>C (NM_001321852.2, NM_001321854.2, NM_001321853.2 and 3 more transcripts); c.2248+4T>C (NM_001321857.2).
Identifiers: ClinVar variation 2892518 (VCV002892518.3), dbSNP rs775618874, ClinGen allele CA892716.

ClinVar aggregate classification (germline): Uncertain significance (1 of 4 stars; one submission).

Allele frequency attached by ClinVar (database versions not stated): TOPMed below 0.00001; ExAC 0.00001; gnomAD exomes 0.00001.
gnomAD v4.1: 5 of 1,613,910 alleles (0.00031%); highest among the groups gnomAD compares: Admixed American, 0.0083%; no homozygotes.

Submission:

Labcorp Genetics (formerly Invitae), Labcorp
Classification: Uncertain significance. Last evaluated: 2022-12-03. Review status: criteria provided, single submitter. Criteria: Invitae Variant Classification Sherloc (09022015). Collection method: clinical testing. Allele origin: germline.
Comment: In summary, the available evidence is currently insufficient to determine the role of this variant in disease. Therefore, it has been classified as a Variant of Uncertain Significance. Variants that disrupt the consensus splice site are a relatively common cause of aberrant splicing (PMID: 17576681, 9536098). Algorithms developed to predict the effect of sequence changes on RNA splicing suggest that this variant is not likely to affect RNA splicing. This variant has not been reported in the literature in individuals affected with JAK1-related conditions. This variant is present in population databases (rs775618874, gnomAD 0.006%). This sequence change falls in intron 16 of the JAK1 gene. It does not directly change the encoded amino acid sequence of the JAK1 protein. It affects a nucleotide within the consensus splice site.

Literature cited by the submitters: PubMed 17576681; PubMed 9536098.